The following is an entry in ClinVar:

ClinVar aggregate classification (germline): Uncertain significance (1 of 4 stars; one submission).

Conditions:
Gorlin syndrome. Also called: Basal cell nevus syndrome; Nevoid Basal Cell Carcinoma Syndrome. Identifiers: Orphanet 377, MedGen C0004779, MONDO:0007187.

Allele frequency attached by ClinVar (database versions not stated): TOPMed below 0.00001; gnomAD exomes 0.00001.

Submission:

Labcorp Genetics (formerly Invitae), Labcorp
Classification: Uncertain significance for Gorlin syndrome. Last evaluated: 2022-08-10. Review status: criteria provided, single submitter. Criteria: Invitae Variant Classification Sherloc (09022015). Collection method: clinical testing. Allele origin: germline.
Comment: In summary, the available evidence is currently insufficient to determine the role of this variant in disease. Therefore, it has been classified as a Variant of Uncertain Significance. ClinVar contains an entry for this variant (Variation ID: 1348609). This variant has not been reported in the literature in individuals affected with PTCH2-related conditions. This variant is present in population databases (no rsID available, gnomAD 0.02%). This sequence change creates a premature translational stop signal (p.Cys191Alafs*48) in the PTCH2 gene. It is expected to result in an absent or disrupted protein product. However, the current clinical and genetic evidence is not sufficient to establish whether loss-of-function variants in PTCH2 cause disease.

NM_003738.5(PTCH2):c.571del (p.Cys191fs)

Gene: PTCH2 (patched 2; minus strand). Cytogenetic location: 1p34.1.
Variant type: Deletion.
Coding change: c.571del on transcript NM_003738.5 (MANE Select); coding-DNA position 571, one base deleted (T; older notation c.571delT).
Protein change: p.Cys191fs; shifts the reading frame from cysteine 191.
Molecular consequence: frameshift variant.
Genome position (GRCh38, 1-based): chr1:44,831,752, A deleted on the plus strand (T on the coding strand, the reverse complement: PTCH2 is on the minus strand). VCF-style (leftmost placement, unchanged base first): chr1-44831751-CA-C. GRCh37 (hg19) VCF-style: chr1-45297423-CA-C.
Other names: c.571del, p.Cys191fs (NM_001166292.2); short protein forms C191fs.
Identifiers: ClinVar variation 1348609 (VCV001348609.6), dbSNP rs1476622319, ClinGen allele CA522809772.